The following is an entry in ClinVar:

ClinVar aggregate classification (germline): Uncertain significance (1 of 4 stars; one submission).

Conditions:
CHARGE syndrome (CHARGE). Also called: Hittner Hirsch Kreh syndrome; CHARGE ASSOCIATION--COLOBOMA, HEART ANOMALY, CHOANAL ATRESIA, RETARDATION, GENITAL AND EAR ANOMALIES; Coloboma, heart anomaly, choanal atresia, retardation, genital and ear anomalies; CHARGE association; Hall-Hittner syndrome. Identifiers: Orphanet 138, MedGen C0265354, MONDO:0008965.

Submission:

Labcorp Genetics (formerly Invitae), Labcorp
Classification: Uncertain significance for CHARGE syndrome. Last evaluated: 2021-04-18. Review status: criteria provided, single submitter. Criteria: Invitae Variant Classification Sherloc (09022015). Collection method: clinical testing. Allele origin: germline.
Comment: This sequence change replaces leucine with tryptophan at codon 2386 of the CHD7 protein (p.Leu2386Trp). The leucine residue is highly conserved and there is a small physicochemical difference between leucine and tryptophan. This variant is not present in population databases (ExAC no frequency). This variant has not been reported in the literature in individuals with CHD7-related conditions. Advanced modeling of protein sequence and biophysical properties (such as structural, functional, and spatial information, amino acid conservation, physicochemical variation, residue mobility, and thermodynamic stability) performed at Invitae indicates that this missense variant is not expected to disrupt CHD7 protein function. In summary, the available evidence is currently insufficient to determine the role of this variant in disease. Therefore, it has been classified as a Variant of Uncertain Significance.

NM_017780.4(CHD7):c.7157T>G (p.Leu2386Trp)

Gene: CHD7 (chromodomain helicase DNA binding protein 7; plus strand). Cytogenetic location: 8q12.2.
Variant type: single nucleotide variant.
Coding change: c.7157T>G on transcript NM_017780.4 (MANE Select); coding-DNA position 7157, T replaced by G.
Protein change: p.Leu2386Trp; replaces leucine 2386 with tryptophan.
Molecular consequence: missense variant. On other transcripts: intron variant (1).
Genome position (GRCh38, 1-based): chr8:60,856,195, T>G. VCF-style: chr8-60856195-T-G. GRCh37 (hg19) VCF-style: chr8-61768754-T-G.
Other names: c.1717-6034T>G (NM_001316690.1); short protein forms L2386W.
Identifiers: ClinVar variation 1361249 (VCV001361249.8), dbSNP rs2129644202, ClinGen allele CA371299474.